The following is an entry in ClinVar:

ClinVar aggregate classification (germline): Uncertain significance (1 of 4 stars; one submission).

Submission:

Ambry Genetics
Classification: Uncertain significance. Last evaluated: 2026-01-18. Review status: criteria provided, single submitter. Criteria: Ambry Variant Classification Scheme 2023. Collection method: clinical testing. Allele origin: germline.
Comment: The p.P470L variant (also known as c.1409C>T), located in coding exon 8 of the RNF43 gene, results from a C to T substitution at nucleotide position 1409. The proline at codon 470 is replaced by leucine, an amino acid with similar properties. This amino acid position is conserved. In addition, this alteration is predicted to be tolerated by in silico analysis. Based on the available evidence, the clinical significance of this variant remains unclear.

NM_017763.6(RNF43):c.1409C>T (p.Pro470Leu)

Gene: RNF43 (ring finger protein 43; minus strand). Cytogenetic location: 17q22.
Variant type: single nucleotide variant.
Coding change: c.1409C>T on transcript NM_017763.6 (MANE Select); coding-DNA position 1409, C replaced by T.
Protein change: p.Pro470Leu; replaces proline 470 with leucine.
Molecular consequence: missense variant.
Genome position (GRCh38, 1-based): chr17:58,358,367, G>A on the plus strand (C>T on the coding strand, the complement: RNF43 is on the minus strand). VCF-style: chr17-58358367-G-A. GRCh37 (hg19) VCF-style: chr17-56435728-G-A.
Other names: c.1409C>T, p.Pro470Leu (NM_001305544.3, NM_001438820.1, NM_001438821.1 and 1 more transcripts); c.1028C>T, p.Pro343Leu (NM_001305545.2, NM_001437987.1); short protein forms P343L, P470L.
Identifiers: ClinVar variation 4844762 (VCV004844762.1).